The following is an entry in ClinVar:

ClinVar aggregate classification (germline): Uncertain significance (1 of 4 stars; one submission).

Allele frequency attached by ClinVar (database versions not stated): gnomAD exomes below 0.00001; gnomAD 0.00001; TOPMed 0.00001; ExAC 0.00002.
gnomAD v4.1: 7 of 1,613,902 alleles (0.00043%); highest among the groups gnomAD compares: African/African-American, 0.008%; no homozygotes.

Submission:

Labcorp Genetics (formerly Invitae), Labcorp
Classification: Uncertain significance. Last evaluated: 2022-03-27. Review status: criteria provided, single submitter. Criteria: Invitae Variant Classification Sherloc (09022015). Collection method: clinical testing. Allele origin: germline.
Comment: In summary, the available evidence is currently insufficient to determine the role of this variant in disease. Therefore, it has been classified as a Variant of Uncertain Significance. Algorithms developed to predict the effect of missense changes on protein structure and function are either unavailable or do not agree on the potential impact of this missense change (SIFT: "Not Available"; PolyPhen-2: "Probably Damaging"; Align-GVGD: "Not Available"). This variant has not been reported in the literature in individuals affected with MYO18B-related conditions. This variant is present in population databases (rs748035511, gnomAD 0.02%). This sequence change replaces leucine, which is neutral and non-polar, with proline, which is neutral and non-polar, at codon 2070 of the MYO18B protein (p.Leu2070Pro).

NM_032608.7(MYO18B):c.6209T>C (p.Leu2070Pro)

Gene: MYO18B (myosin XVIIIB; plus strand). Cytogenetic location: 22q12.1.
Variant type: single nucleotide variant.
Coding change: c.6209T>C on transcript NM_032608.7 (MANE Select); coding-DNA position 6209, T replaced by C.
Protein change: p.Leu2070Pro; replaces leucine 2070 with proline.
Molecular consequence: missense variant.
Genome position (GRCh38, 1-based): chr22:25,992,415, T>C. VCF-style: chr22-25992415-T-C. GRCh37 (hg19) VCF-style: chr22-26388381-T-C.
Other names: c.6212T>C, p.Leu2071Pro (NM_001318245.2); short protein forms L2071P, L2070P.
Identifiers: ClinVar variation 1964572 (VCV001964572.5), dbSNP rs748035511, ClinGen allele CA10161441.
Genomic context (GRCh38, chr22:25,992,415, plus strand): 5'-GTCCCCAGGAGAAGTACGTGGAGGAACTTGCAGCAGTGAGGCAAACCCTCCAGACAGACC[T>C]GGAGACATCCATTCGGCGGATTGCCGACCTGCAGGCTGCCTTGGAAGAAGTGGCATCCAG-3'
Protein context (NP_115997.5, residues 2060-2080): AAVRQTLQTD[Leu2070Pro]ETSIRRIADL